The following is an entry in ClinVar:

NM_005204.4(MAP3K8):c.1108G>A (p.Glu370Lys)

Gene: MAP3K8 (mitogen-activated protein kinase kinase kinase 8; plus strand). Cytogenetic location: 10p11.23.
Variant type: single nucleotide variant.
Coding change: c.1108G>A on transcript NM_005204.4 (MANE Select); coding-DNA position 1108, G replaced by A.
Protein change: p.Glu370Lys; replaces glutamic acid 370 with lysine.
Molecular consequence: missense variant.
Genome position (GRCh38, 1-based): chr10:30,459,336, G>A. VCF-style: chr10-30459336-G-A. GRCh37 (hg19) VCF-style: chr10-30748265-G-A.
Other names: c.1108G>A, p.Glu370Lys (NM_001244134.1, NM_001320961.2); short protein forms E370K.
Identifiers: ClinVar variation 3011019 (VCV003011019.3), dbSNP rs2538582138, ClinGen allele CA376432188.

ClinVar aggregate classification (germline): Uncertain significance (1 of 4 stars; one submission).

Submission:

Labcorp Genetics (formerly Invitae), Labcorp
Classification: Uncertain significance. Last evaluated: 2024-09-12. Review status: criteria provided, single submitter. Criteria: Invitae Variant Classification Sherloc (09022015). Collection method: clinical testing. Allele origin: germline.
Comment: This sequence change replaces glutamic acid, which is acidic and polar, with lysine, which is basic and polar, at codon 370 of the MAP3K8 protein (p.Glu370Lys). This variant is not present in population databases (gnomAD no frequency). This variant has not been reported in the literature in individuals affected with MAP3K8-related conditions. An algorithm developed to predict the effect of missense changes on protein structure and function (PolyPhen-2) suggests that this variant is likely to be tolerated. In summary, the available evidence is currently insufficient to determine the role of this variant in disease. Therefore, it has been classified as a Variant of Uncertain Significance.